The following is an entry in ClinVar:

ClinVar aggregate classification (germline): Uncertain significance (1 of 4 stars; one submission).

Conditions:
Ullrich congenital muscular dystrophy 2 (UCMD2). Identifiers: Orphanet 75840, MedGen C4225314, MONDO:0014654, OMIM 616470.
Bethlem myopathy 2 (BTHLM2). Identifiers: Orphanet 536516, Orphanet 610, MedGen C4225313, MONDO:0034022, OMIM 616471.

Submission:

Labcorp Genetics (formerly Invitae), Labcorp
Classification: Uncertain significance for Bethlem myopathy 2; Ullrich congenital muscular dystrophy 2. Last evaluated: 2025-06-05. Review status: criteria provided, single submitter. Criteria: Invitae Variant Classification Sherloc (09022015). Collection method: clinical testing. Allele origin: germline.
Comment: This sequence change replaces serine, which is neutral and polar, with leucine, which is neutral and non-polar, at codon 2620 of the COL12A1 protein (p.Ser2620Leu). This variant is not present in population databases (gnomAD no frequency). This variant has not been reported in the literature in individuals affected with COL12A1-related conditions. Invitae Evidence Modeling of protein sequence and biophysical properties (such as structural, functional, and spatial information, amino acid conservation, physicochemical variation, residue mobility, and thermodynamic stability) has been performed for this missense variant. However, the output from this modeling did not meet the statistical confidence thresholds required to predict the impact of this variant on COL12A1 protein function. In summary, the available evidence is currently insufficient to determine the role of this variant in disease. Therefore, it has been classified as a Variant of Uncertain Significance.

NM_004370.6(COL12A1):c.7859C>T (p.Ser2620Leu)

Gene: COL12A1 (collagen type XII alpha 1 chain; minus strand). Cytogenetic location: 6q13.
Variant type: single nucleotide variant.
Coding change: c.7859C>T on transcript NM_004370.6 (MANE Select); coding-DNA position 7859, C replaced by T.
Protein change: p.Ser2620Leu; replaces serine 2620 with leucine.
Molecular consequence: missense variant.
Genome position (GRCh38, 1-based): chr6:75,113,295, G>A on the plus strand (C>T on the coding strand, the complement: COL12A1 is on the minus strand). VCF-style: chr6-75113295-G-A. GRCh37 (hg19) VCF-style: chr6-75823011-G-A.
Other names: c.7859C>T, p.Ser2620Leu (NM_001424113.1); c.7838C>T, p.Ser2613Leu (NM_001424114.1); c.7586C>T, p.Ser2529Leu (NM_001424115.1); c.4367C>T, p.Ser1456Leu (NM_001424116.1, NM_080645.3); short protein forms S1456L, S2620L, S2529L, S2613L.
Identifiers: ClinVar variation 4783027 (VCV004783027.1).